The following is an entry in ClinVar:

NM_016284.5(CNOT1):c.59T>C (p.Leu20Ser)

Gene: CNOT1 (CCR4-NOT transcription complex subunit 1; minus strand). Cytogenetic location: 16q21.
Variant type: single nucleotide variant.
Coding change: c.59T>C on transcript NM_016284.5 (MANE Select); coding-DNA position 59, T replaced by C.
Protein change: p.Leu20Ser; replaces leucine 20 with serine.
Molecular consequence: missense variant. On other transcripts: non-coding transcript variant (1).
Genome position (GRCh38, 1-based): chr16:58,599,279, A>G on the plus strand (T>C on the coding strand, the complement: CNOT1 is on the minus strand). VCF-style: chr16-58599279-A-G. GRCh37 (hg19) VCF-style: chr16-58633183-A-G.
Other names: c.59T>C, p.Leu20Ser (NM_001265612.2, NM_206999.3); short protein forms L20S.
Identifiers: ClinVar variation 3364429 (VCV003364429.1).

ClinVar aggregate classification (germline): Uncertain significance (1 of 4 stars; one submission).

Submission:

GeneDx
Classification: Uncertain significance. Last evaluated: 2023-11-17. Review status: criteria provided, single submitter. Criteria: GeneDx Variant Classification Process June 2021. Collection method: clinical testing. Allele origin: germline. Affected: yes.
Comment: Not observed at significant frequency in large population cohorts (gnomAD); In silico analysis supports that this missense variant has a deleterious effect on protein structure/function; Has not been previously published as pathogenic or benign to our knowledge.